The following is an entry in ClinVar:

ClinVar aggregate classification (germline): Uncertain significance. Review status: criteria provided, multiple submitters, no conflicts (2 of 4 stars). 2 submissions from 2 submitters: Uncertain significance (2). Last evaluated 2024-06-09.

Submissions (2):

GeneDx
Classification: Uncertain significance. Last evaluated: 2024-06-09. Review status: criteria provided, single submitter. Criteria: GeneDx Variant Classification Process June 2021. Collection method: clinical testing. Allele origin: germline. Affected: yes.
Comment: Not observed at significant frequency in large population cohorts (gnomAD); In silico analysis indicates that this missense variant does not alter protein structure/function; Has not been previously published as pathogenic or benign to our knowledge

Labcorp Genetics (formerly Invitae), Labcorp
Classification: Uncertain significance. Last evaluated: 2024-03-02. Review status: criteria provided, single submitter. Criteria: Invitae Variant Classification Sherloc (09022015). Collection method: clinical testing. Allele origin: germline.
Comment: This sequence change replaces leucine, which is neutral and non-polar, with valine, which is neutral and non-polar, at codon 314 of the RORB protein (p.Leu314Val). This variant is not present in population databases (gnomAD no frequency). This variant has not been reported in the literature in individuals affected with RORB-related conditions. An algorithm developed to predict the effect of missense changes on protein structure and function (PolyPhen-2) suggests that this variant is likely to be tolerated. In summary, the available evidence is currently insufficient to determine the role of this variant in disease. Therefore, it has been classified as a Variant of Uncertain Significance.

NM_006914.4(RORB):c.940T>G (p.Leu314Val)

Gene: RORB (RAR related orphan receptor B; plus strand). Cytogenetic location: 9q21.13.
Variant type: single nucleotide variant.
Coding change: c.940T>G on transcript NM_006914.4 (MANE Select); coding-DNA position 940, T replaced by G.
Protein change: p.Leu314Val; replaces leucine 314 with valine.
Molecular consequence: missense variant.
Genome position (GRCh38, 1-based): chr9:74,665,535, T>G. VCF-style: chr9-74665535-T-G. GRCh37 (hg19) VCF-style: chr9-77280451-T-G.
Other names: c.973T>G, p.Leu325Val (NM_001365023.1); short protein forms L314V, L325V.
Identifiers: ClinVar variation 3390754 (VCV003390754.3).